The following is an entry in ClinVar:

NM_001034116.2(EIF2B4):c.637C>T (p.Gln213Ter)

Gene: EIF2B4 (eukaryotic translation initiation factor 2B subunit delta; minus strand). Cytogenetic location: 2p23.3.
Variant type: single nucleotide variant.
Coding change: c.637C>T on transcript NM_001034116.2 (MANE Select); coding-DNA position 637, C replaced by T.
Protein change: p.Gln213Ter; replaces glutamine 213 with a stop codon.
Molecular consequence: nonsense.
Genome position (GRCh38, 1-based): chr2:27,368,093, G>A on the plus strand (C>T on the coding strand, the complement: EIF2B4 is on the minus strand). VCF-style: chr2-27368093-G-A. GRCh37 (hg19) VCF-style: chr2-27590960-G-A.
Other names: c.700C>T, p.Gln234Ter (NM_001318965.2); c.592C>T, p.Gln198Ter (NM_001318966.2); c.544C>T, p.Gln182Ter (NM_001318967.2); c.52C>T, p.Gln18Ter (NM_001318968.2); c.19C>T, p.Gln7Ter (NM_001318969.2); c.634C>T, p.Gln212Ter (NM_015636.4); c.697C>T, p.Gln233Ter (NM_172195.4); short protein forms Q18*, Q198*, Q212*, Q213*, Q182*, Q233*, Q7*, Q234*.
Identifiers: ClinVar variation 2825673 (VCV002825673.3), dbSNP rs2465514847, ClinGen allele CA346200358.

ClinVar aggregate classification (germline): Pathogenic (1 of 4 stars; one submission).

Submission:

Labcorp Genetics (formerly Invitae), Labcorp
Classification: Pathogenic. Last evaluated: 2023-01-01. Review status: criteria provided, single submitter. Criteria: Invitae Variant Classification Sherloc (09022015). Collection method: clinical testing. Allele origin: germline.
Comment: For these reasons, this variant has been classified as Pathogenic. Algorithms developed to predict the effect of sequence changes on RNA splicing suggest that this variant may disrupt the consensus splice site. This variant has not been reported in the literature in individuals affected with EIF2B4-related conditions. This variant is not present in population databases (gnomAD no frequency). This sequence change creates a premature translational stop signal (p.Gln212*) in the EIF2B4 gene. It is expected to result in an absent or disrupted protein product. Loss-of-function variants in EIF2B4 are known to be pathogenic (PMID: 11835386, 15776425, 16807905).

Literature cited by the submitters: PubMed 11835386; PubMed 15776425; PubMed 16807905.